The following is an entry in ClinVar:

ClinVar aggregate classification (germline): Benign/Likely benign. Review status: criteria provided, multiple submitters, no conflicts (2 of 4 stars). 3 submissions from 3 submitters: Benign (1); Likely benign (2). Last evaluated 2018-07-15.

Conditions:
Bilateral frontoparietal polymicrogyria. Also called: CEREBELLAR ATAXIA WITH NEURONAL MIGRATION DEFECT; CORTICAL DYSPLASIA, COMPLEX, WITH OTHER BRAIN MALFORMATIONS 14A (BILATERAL FRONTOPARIETAL). Identifiers: Orphanet 101070, MedGen C1847352, MONDO:0011738, OMIM 606854.

Allele frequency attached by ClinVar (database versions not stated): gnomAD exomes 0.00077; gnomAD 0.00702 and 0.00738; 1000 Genomes Project 0.00739; 1000 Genomes Project 30x 0.00750; TOPMed 0.00769.
gnomAD v4.1: 2,004 of 1,312,632 alleles (0.15%); highest among the groups gnomAD compares: African/African-American, 2.5%; 20 homozygotes.

Submissions (3):

GeneDx
Classification: Likely benign. Last evaluated: 2018-07-15. Review status: criteria provided, single submitter. Criteria: GeneDx Variant Classification Process June 2021. Collection method: clinical testing. Allele origin: germline. Affected: yes.

Illumina Laboratory Services, Illumina
Classification: Benign for Bilateral frontoparietal polymicrogyria. Last evaluated: 2018-01-12. Review status: criteria provided, single submitter. Criteria: ICSL Variant Classification Criteria 13 December 2019. Collection method: clinical testing. Allele origin: germline.
Comment: This variant was observed in the ICSL laboratory as part of a predisposition screen in an ostensibly healthy population. It had not been previously curated by ICSL or reported in the Human Gene Mutation Database (HGMD: prior to June 1st, 2018), and was therefore a candidate for classification through an automated scoring system. Utilizing variant allele frequency, disease prevalence and penetrance estimates, and inheritance mode, an automated score was calculated to assess if this variant is too frequent to cause the disease. Based on the score and internal cut-off values, a variant classified as benign is not then subjected to further curation. The score for this variant resulted in a classification of benign for this disease.

Breakthrough Genomics
Classification: Likely benign. Review status: criteria provided, single submitter. Criteria: ACMG Guidelines, 2015. Collection method: not provided. Allele origin: germline. Inheritance: Autosomal recessive inheritance. Affected: yes.

NM_201525.4(ADGRG1):c.*108G>A

Gene: ADGRG1 (adhesion G protein-coupled receptor G1; plus strand). Cytogenetic location: 16q21.
Variant type: single nucleotide variant.
Coding change: c.*108G>A on transcript NM_201525.4 (MANE Select); 108 bases downstream of the stop codon, G replaced by A.
Molecular consequence: 3 prime UTR variant.
Genome position (GRCh38, 1-based): chr16:57,663,690, G>A. VCF-style: chr16-57663690-G-A. GRCh37 (hg19) VCF-style: chr16-57697602-G-A.
Other names: c.*108G>A (NM_001145770.3, NM_001145771.3, NM_001145772.3 and 25 more transcripts).
Identifiers: ClinVar variation 885000 (VCV000885000.8), dbSNP rs113439449, ClinGen allele CA281584006.